The following is an entry in ClinVar:

ClinVar aggregate classification (germline): Uncertain significance (1 of 4 stars; one submission).

Conditions:
LEPR-related disorder. Also called: LEPR-related disorders; LEPR-related condition.

gnomAD v4.1: 6 of 1,613,238 alleles (0.00037%); highest among the groups gnomAD compares: Non-Finnish European, 0.00051%; no homozygotes.

Submission:

PreventionGenetics, part of Exact Sciences
Classification: Uncertain significance for LEPR-related condition. Last evaluated: 2025-09-29. Review status: criteria provided, single submitter. Criteria: ACMG Guidelines, 2015. Collection method: clinical testing. Allele origin: germline.
Comment: The LEPR c.47T>C variant is predicted to result in the amino acid substitution p.Ile16Thr. This variant was observed in a cohort of individuals with obesity, and in vitro functional studies showed function similar to wild-type levels (Supplemental Data Set, Shah et al. 2023. PubMed ID: 36864747). This variant is reported in 0.00089% of alleles in individuals of European (Non-Finnish) descent in gnomAD. At this time, the clinical significance of this variant is uncertain due to the absence of conclusive functional and genetic evidence.

NM_002303.6(LEPR):c.47T>C (p.Ile16Thr)

Gene: LEPR (leptin receptor; plus strand). Cytogenetic location: 1p31.3.
Variant type: single nucleotide variant.
Coding change: c.47T>C on transcript NM_002303.6 (MANE Select); coding-DNA position 47, T replaced by C.
Protein change: p.Ile16Thr; replaces isoleucine 16 with threonine.
Molecular consequence: missense variant.
Genome position (GRCh38, 1-based): chr1:65,570,479, T>C. VCF-style: chr1-65570479-T-C. GRCh37 (hg19) VCF-style: chr1-66036162-T-C.
Other names: c.47T>C, p.Ile16Thr (NM_001003679.3, NM_001003680.3, NM_001198687.2 and 2 more transcripts); short protein forms I16T.
Identifiers: ClinVar variation 4984566 (VCV004984566.1).
Genomic context (GRCh38, chr1:65,570,479, plus strand): 5'-TGTCTTAGTCAAAATGATTACTTTTTTCTATGTGTCTTTTTAATATCCTAACAGAATTTA[T>C]TTATGTGATAACTGCGTTTAACTTGTCATATCCAATTACTCCTTGGAGATTTAAGTTGTC-3'
Protein context (NP_002294.2, residues 6-26): FCVVLLHWEF[Ile16Thr]YVITAFNLSY